The following is an entry in ClinVar:

ClinVar aggregate classification (germline): Pathogenic (1 of 4 stars; one submission).

Conditions:
Hypertrophic cardiomyopathy. Also called: HYPERTROPHIC MYOCARDIOPATHY. Identifiers: Orphanet 217569, MedGen C0007194, MeSH D002312, MONDO:0005045, HP:0001639.

Submission:

Labcorp Genetics (formerly Invitae), Labcorp
Classification: Pathogenic for Hypertrophic cardiomyopathy. Last evaluated: 2024-10-21. Review status: criteria provided, single submitter. Criteria: Invitae Variant Classification Sherloc (09022015). Collection method: clinical testing. Allele origin: germline.
Comment: This sequence change results in a frameshift in the MYBPC3 gene (p.Cys1244Profs*86). While this is not anticipated to result in nonsense mediated decay, it is expected to disrupt the last 31 amino acid(s) of the MYBPC3 protein and extend the protein by 54 additional amino acid residues. This variant is not present in population databases (gnomAD no frequency). This variant has not been reported in the literature in individuals affected with MYBPC3-related conditions. Algorithms developed to predict the effect of sequence changes on RNA splicing suggest that this variant may disrupt the consensus splice site. This variant disrupts a region of the MYBPC3 protein in which other variant(s) (p.Arg1271*) have been determined to be pathogenic (PMID: 18533079, 19574547, 19996403, 23396983, 27532257). This suggests that this is a clinically significant region of the protein, and that variants that disrupt it are likely to be disease-causing. For these reasons, this variant has been classified as Pathogenic.

Literature cited by the submitters: PubMed 18533079; PubMed 19574547; PubMed 19996403; PubMed 23396983; PubMed 27532257.

NM_000256.3(MYBPC3):c.3730_3733del (p.Cys1244fs)

Gene: MYBPC3 (myosin binding protein C3; minus strand). Cytogenetic location: 11p11.2.
Variant type: Deletion.
Coding change: c.3730_3733del on transcript NM_000256.3 (MANE Select); coding-DNA positions 3730 to 3733, 4 bases deleted (TGCC; older notation c.3730_3733delTGCC).
Protein change: p.Cys1244fs; shifts the reading frame from cysteine 1244.
Molecular consequence: frameshift variant.
Genome position (GRCh38, 1-based): chr11:47,332,153-47,332,156, GGCA deleted on the plus strand (TGCC on the coding strand, the reverse complement: MYBPC3 is on the minus strand); deleting any 4 consecutive bases within chr11:47,332,153-47,332,158 gives the same sequence; the c. name uses the placement nearest the transcript's 3' end. VCF-style (leftmost placement, unchanged base first): chr11-47332152-GGGCA-G. GRCh37 (hg19) VCF-style: chr11-47353703-GGGCA-G.
Other names: short protein forms C1244fs.
Identifiers: ClinVar variation 3722954 (VCV003722954.2).